The following is an entry in ClinVar:

ClinVar aggregate classification (germline): Uncertain significance. Review status: criteria provided, multiple submitters, no conflicts (2 of 4 stars). 7 submissions from 7 submitters: Uncertain significance (7). Last evaluated 2024-10-20.

Conditions:
Polycystic kidney disease 4 (PKD4). Also called: Autosomal Recessive Polycystic Kidney Disease – PKHD1; POLYCYSTIC KIDNEY AND HEPATIC DISEASE 1; POLYCYSTIC KIDNEY DISEASE, INFANTILE, TYPE I; PKD3; POLYCYSTIC KIDNEY DISEASE 4 WITH OR WITHOUT POLYCYSTIC LIVER DISEASE. Identifiers: MedGen C4540575, MONDO:0033004, OMIM 263200.
PKHD1-related disorder. Also called: PKHD1-related condition.
Inborn genetic diseases. Identifiers: MedGen C0950123, MeSH D030342.
Autosomal recessive polycystic kidney disease (ARPKD). Also called: AR polycystic kidney disease. Identifiers: Orphanet 731, Orphanet 8378, MedGen C0085548, MeSH D017044, MONDO:0009889.

Allele frequency attached by ClinVar (database versions not stated): ExAC 0.00004; gnomAD exomes 0.00004 and 0.00021; gnomAD 0.00010; TOPMed 0.00011; ESP Exome Variant Server 0.00015.
gnomAD v4.1: 324 of 1,614,002 alleles (0.02%); highest among the groups gnomAD compares: Non-Finnish European, 0.026%; 1 homozygote.

Submissions (7):

Ambry Genetics
Classification: Uncertain significance for Inborn genetic diseases. Last evaluated: 2024-10-20. Review status: criteria provided, single submitter. Criteria: Ambry Variant Classification Scheme 2023. Collection method: clinical testing. Allele origin: germline.

Blueprint Genetics
Classification: Uncertain significance. Last evaluated: 2024-10-17. Review status: criteria provided, single submitter. Criteria: ACMG Guidelines, 2015. Collection method: clinical testing. Allele origin: germline.

Fulgent Genetics
Classification: Uncertain significance for Polycystic kidney disease 4. Last evaluated: 2024-02-05. Review status: criteria provided, single submitter. Criteria: ACMG Guidelines, 2015. Collection method: clinical testing. Allele origin: germline.

PreventionGenetics, part of Exact Sciences
Classification: Uncertain significance for PKHD1-related condition. Last evaluated: 2023-06-13. Review status: criteria provided, single submitter. Criteria: ACMG Guidelines, 2015. Collection method: clinical testing. Allele origin: germline.
Comment: The PKHD1 c.1018G>A variant is predicted to result in the amino acid substitution p.Gly340Arg. This variant was previously reported as a variant of uncertain significant in a large cohort of individuals with polycystic kidney disease; however, this patient also carried a causative variant in the IFT140 gene (Senum et al. 2022. PubMed ID: 34890546). This variant is reported in 0.011% of alleles in individuals of European (Non-Finnish) descent in gnomAD. At this time, the clinical significance of this variant is uncertain due to the absence of conclusive functional and genetic evidence.

GeneDx
Classification: Uncertain significance. Last evaluated: 2022-02-05. Review status: criteria provided, single submitter. Criteria: GeneDx Variant Classification Process June 2021. Collection method: clinical testing. Allele origin: germline. Affected: yes.
Comment: Not observed at significant frequency in large population cohorts (gnomAD); In silico analysis supports that this missense variant does not alter protein structure/function; Has not been previously published as pathogenic or benign to our knowledge

Illumina Laboratory Services, Illumina
Classification: Uncertain significance for Polycystic kidney disease 4. Last evaluated: 2018-01-13. Review status: criteria provided, single submitter. Criteria: ICSL Variant Classification Criteria 13 December 2019. Collection method: clinical testing. Allele origin: germline.

Eurofins Ntd Llc (ga)
Classification: Uncertain significance. Last evaluated: 2014-11-24. Review status: criteria provided, single submitter. Criteria: EGL Classification Definitions 2015. Collection method: clinical testing. Allele origin: germline. Observed: 1 variant allele, 1 heterozygote.

NM_138694.4(PKHD1):c.1018G>A (p.Gly340Arg)

Gene: PKHD1 (PKHD1 ciliary IPT domain containing fibrocystin/polyductin; minus strand). Cytogenetic location: 6p12.2.
Variant type: single nucleotide variant.
Coding change: c.1018G>A on transcript NM_138694.4 (MANE Select); coding-DNA position 1018, G replaced by A.
Protein change: p.Gly340Arg; replaces glycine 340 with arginine.
Molecular consequence: missense variant.
Genome position (GRCh38, 1-based): chr6:52,062,619, C>T on the plus strand (G>A on the coding strand, the complement: PKHD1 is on the minus strand). VCF-style: chr6-52062619-C-T. GRCh37 (hg19) VCF-style: chr6-51927417-C-T.
Other names: c.1018G>A, p.Gly340Arg (NM_170724.3); short protein forms G340R.
Identifiers: ClinVar variation 194437 (VCV000194437.17), dbSNP rs368351830, ClinGen allele CA240390.